The following is an entry in ClinVar:

NM_004667.6(HERC2):c.3577+4C>T

Gene: HERC2 (HECT and RLD domain containing E3 ubiquitin protein ligase 2; minus strand). Cytogenetic location: 15q13.1.
Variant type: single nucleotide variant.
Coding change: c.3577+4C>T on transcript NM_004667.6 (MANE Select); 4 bases into the intron after coding-DNA position 3577, C replaced by T.
Molecular consequence: intron variant.
Genome position (GRCh38, 1-based): chr15:28,245,877, G>A on the plus strand (C>T on the coding strand, the complement: HERC2 is on the minus strand). VCF-style: chr15-28245877-G-A. GRCh37 (hg19) VCF-style: chr15-28491023-G-A.
Identifiers: ClinVar variation 2645072 (VCV002645072.26), dbSNP rs201962727, ClinGen allele CA7442887.
Genomic context (GRCh38, chr15:28,245,877, plus strand): 5'-GCAAGAATAGGTTAGACAAGGACAATAAAACTTTCCTCAGTAAAACTCCTTTAAGACGCC[G>A]TACCCATTATGCCAGGCCAGGCTAACTCTTCATGATCATCCCGTTCCTTTCCTGGTGCCA-3'

ClinVar aggregate classification (germline): Benign/Likely benign. Review status: criteria provided, multiple submitters, no conflicts (2 of 4 stars). 3 submissions from 3 submitters: Benign (1); Likely benign (2). Last evaluated 2026-09-01.

Allele frequency attached by ClinVar (database versions not stated): gnomAD exomes 0.00018; ExAC 0.00036; ESP Exome Variant Server 0.00092; gnomAD 0.00101; TOPMed 0.00102; 1000 Genomes Project 0.00160; 1000 Genomes Project 30x 0.00187.
gnomAD v4.1: 422 of 1,612,422 alleles (0.026%); highest among the groups gnomAD compares: African/African-American, 0.28%; 2 homozygotes.

Submissions (3):

CeGaT Center for Human Genetics Tuebingen
Classification: Likely benign. Last evaluated: 2026-09-01. Review status: criteria provided, single submitter. Criteria: CeGaT Center For Human Genetics Tuebingen Variant Classification Criteria Version 2. Collection method: clinical testing. Allele origin: germline. Affected: yes. Observed: 2 variant alleles.
Comment: HERC2: BP4

Women's Health and Genetics/Laboratory Corporation of America, LabCorp
Classification: Benign. Last evaluated: 2025-12-10. Review status: criteria provided, single submitter. Criteria: LabCorp Variant Classification Summary - May 2015. Collection method: clinical testing. Allele origin: germline.
Comment: Variant summary: HERC2 c.3577+4C>T alters a conserved nucleotide located close to a canonical splice site and therefore could affect mRNA splicing, leading to a significantly altered protein sequence. Consensus agreement among computation tools predict no significant impact on normal splicing. However, these predictions have yet to be confirmed by functional studies. The variant allele was found at a frequency of 0.00043 in 280004 control chromosomes, predominantly at a frequency of 0.0027 within the African or African-American subpopulation in the gnomAD database. The observed variant frequency within African or African-American control individuals in the gnomAD database exceeds the estimated maximal expected allele frequency for disease-causing variants in HERC2. To our knowledge, no occurrence of c.3577+4C>T in individuals affected with HERC2-related conditions and no experimental evidence demonstrating its impact on protein function have been reported. ClinVar contains an entry for this variant (Variation ID: 2645072). Based on the evidence outlined above, the variant was classified as benign.

Blueprint Genetics
Classification: Likely benign. Last evaluated: 2024-07-02. Review status: criteria provided, single submitter. Criteria: ACMG Guidelines, 2015. Collection method: clinical testing. Allele origin: germline.